The following is an entry in ClinVar:

NM_017534.6(MYH2):c.2102G>T (p.Cys701Phe)

Genes: MYHAS (myosin heavy chain gene cluster antisense RNA; plus strand), MYH2 (myosin heavy chain 2; minus strand). Cytogenetic location: 17p13.1.
Variant type: single nucleotide variant.
Coding change: c.2102G>T on transcript NM_017534.6 (MANE Select); coding-DNA position 2102, G replaced by T.
Protein change: p.Cys701Phe; replaces cysteine 701 with phenylalanine.
Molecular consequence: missense variant.
Genome position (GRCh38, 1-based): chr17:10,535,151, C>A on the plus strand (G>T on the coding strand, the complement: MYH2 is on the minus strand). VCF-style: chr17-10535151-C-A. GRCh37 (hg19) VCF-style: chr17-10438468-C-A.
Other names: c.2102G>T, p.Cys701Phe (NM_001100112.2); short protein forms C701F.
Identifiers: ClinVar variation 1349079 (VCV001349079.8), dbSNP rs1259249860, ClinGen allele CA398150282.
Genomic context (GRCh38, chr17:10,535,151, plus strand): 5'-TAAAGGATTCTGCTTGGAAATCCTTTCCTACAGATGCGGATGCCTTCCAGCACACCGTTA[C>A]ACCTCAGCTGGTGGAGGACAAGCTCATGCTCCATGGCACCTAAAAATGCATATTTATTTC-3'
Protein context (NP_060004.3, residues 691-711): EHELVLHQLR[Cys701Phe]NGVLEGIRIC

ClinVar aggregate classification (germline): Uncertain significance (1 of 4 stars; one submission).

Conditions:
Myopathy, proximal, and ophthalmoplegia (CMYO6). Also called: INCLUSION BODY MYOPATHY 3, AUTOSOMAL DOMINANT; MYOPATHY WITH CONGENITAL JOINT CONTRACTURES, OPHTHALMOPLEGIA, AND RIMMED VACUOLES; CONGENITAL MYOPATHY 6 WITH OPHTHALMOPLEGIA. Identifiers: Orphanet 363677, Orphanet 79091, MedGen C1854106, MONDO:0011577, OMIM 605637.

Submission:

Labcorp Genetics (formerly Invitae), Labcorp
Classification: Uncertain significance for Myopathy, proximal, and ophthalmoplegia. Last evaluated: 2024-04-01. Review status: criteria provided, single submitter. Criteria: Invitae Variant Classification Sherloc (09022015). Collection method: clinical testing. Allele origin: germline.
Comment: This sequence change replaces cysteine, which is neutral and slightly polar, with phenylalanine, which is neutral and non-polar, at codon 701 of the MYH2 protein (p.Cys701Phe). This variant is not present in population databases (gnomAD no frequency). This variant has not been reported in the literature in individuals affected with MYH2-related conditions. ClinVar contains an entry for this variant (Variation ID: 1349079). Advanced modeling of protein sequence and biophysical properties (such as structural, functional, and spatial information, amino acid conservation, physicochemical variation, residue mobility, and thermodynamic stability) performed at Invitae indicates that this missense variant is expected to disrupt MYH2 protein function with a positive predictive value of 80%. In summary, the available evidence is currently insufficient to determine the role of this variant in disease. Therefore, it has been classified as a Variant of Uncertain Significance.